The following is an entry in ClinVar:

NM_153717.3(EVC):c.1911del (p.His638fs)

Gene: EVC (EvC ciliary complex subunit 1; plus strand). Cytogenetic location: 4p16.2.
Variant type: Deletion.
Coding change: c.1911del on transcript NM_153717.3 (MANE Select); coding-DNA position 1911, one base deleted (G; older notation c.1911delG).
Protein change: p.His638fs; shifts the reading frame from histidine 638.
Molecular consequence: frameshift variant.
Genome position (GRCh38, 1-based): chr4:5,797,046, G deleted; the last of 4 consecutive G bases (chr4:5,797,043-5,797,046); deleting any one gives the same sequence. VCF-style (leftmost placement, unchanged base first): chr4-5797042-AG-A. GRCh37 (hg19) VCF-style: chr4-5798769-AG-A.
Other names: c.1911del, p.His638fs (NM_001306090.2); short protein forms H638fs.
Identifiers: ClinVar variation 4816928 (VCV004816928.1).

ClinVar aggregate classification (germline): Likely pathogenic (1 of 4 stars; one submission).

Conditions:
Ellis-van Creveld syndrome (EVC). Also called: Chondroectodermal dysplasia; EVC-Related Ellis-van Creveld Syndrome; EVC2-Related Ellis-van Creveld Syndrome; MESOECTODERMAL DYSPLASIA. Identifiers: Orphanet 289, MedGen C0013903, MONDO:0009162, OMIM 225500.

Submission:

Natera, Inc.
Classification: Likely pathogenic for Ellis-van Creveld syndrome. Last evaluated: 2025-11-03. Review status: criteria provided, single submitter. Criteria: Natera Variant Classification Schema (03/2026). Collection method: clinical testing. Allele origin: germline.
Comment: The c.1911del variant in EVC is a frameshift variant predicted to shift the reading frame beginning at codon 638 and leads to a stop codon 22 codons downstream. This variant is expected to result in nonsense mediated decay, truncation, or a dysfunctional protein product. This variant is rare in the general population with a frequency below the threshold expected for the associated phenotype(s). Given the available evidence, this variant is classified as Likely Pathogenic.